The following is an entry in ClinVar:

NM_004519.4(KCNQ3):c.50_52delinsCC (p.Asp17fs)

Gene: KCNQ3 (potassium voltage-gated channel subfamily Q member 3; minus strand). Cytogenetic location: 8q24.22.
Variant type: Indel.
Coding change: c.50_52delinsCC on transcript NM_004519.4 (MANE Select); coding-DNA positions 50 to 52, ACG replaced by CC.
Protein change: p.Asp17fs; shifts the reading frame from aspartic acid 17.
Molecular consequence: frameshift variant.
Genome position (GRCh38, 1-based): chr8:132,480,481-132,480,483, CGT replaced by GG on the plus strand (ACG replaced by CC on the coding strand, the reverse complement: KCNQ3 is on the minus strand). VCF-style: chr8-132480481-CGT-GG. GRCh37 (hg19) VCF-style: chr8-133492728-CGT-GG.
Other names: short protein forms D17fs.
Identifiers: ClinVar variation 2628476 (VCV002628476.1), dbSNP rs2537398916, ClinGen allele CA2695201527.
Genomic context (GRCh38, chr8:132,480,481, plus strand): 5'-CGCCGGCCGCCGCCGCGTCCCCTCCGGCTGGGTTAGCCGCCCCGCCGCCTCCGCCGCCCC[CGT>GG]CGCCGCCGCCGCCAGCCGCCCCCGCCGCCCTGCGCGCCTTGAGCCCCATCTGCCTCGCCC-3'

ClinVar aggregate classification (germline): Uncertain significance (1 of 4 stars; one submission).

Conditions:
KCNQ3-related disorder. Also called: KCNQ3-related condition; KCNQ3-Related Disorders. Identifiers: MedGen CN381530.

Submission:

PreventionGenetics, part of Exact Sciences
Classification: Uncertain significance for KCNQ3-related condition. Last evaluated: 2023-08-10. Review status: criteria provided, single submitter. Criteria: ACMG Guidelines, 2015. Collection method: clinical testing. Allele origin: germline.
Comment: The KCNQ3 c.50_52delinsCC variant is predicted to result in a frameshift and premature protein termination (p.Asp17Alafs*77). To our knowledge, this variant has not been reported in the literature or in a large population database, indicating this variant is rare. Few loss-of-function variants in this gene have been reported in association with disease to date (Human Gene Mutation Database). Although we suspect that this variant may be pathogenic, at this time, the clinical significance of this variant is uncertain due to the absence of conclusive functional and genetic evidence.